The following is an entry in ClinVar:

ClinVar aggregate classification (germline): Likely pathogenic. Review status: criteria provided, multiple submitters, no conflicts (2 of 4 stars). 3 submissions from 3 submitters: Likely pathogenic (3). Last evaluated 2024-09-30.

Conditions:
MMAA-related disorder. Also called: MMAA-related condition.
Methylmalonic acidemia (MMA). Also called: Isolated Methylmalonic Acidemia. Identifiers: MedGen C0268583, MeSH C537358, MONDO:0002012, HP:0002912.
Methylmalonic aciduria, cblA type (MACA). Also called: Methylmalonic aciduria, vitamin B12-responsive; Vitamin B12-responsive methylmalonic acidemia type cblA; Methylmalonic aciduria, vitamin b12-responsive, due to defect in synthesis of adenosylcobalamin, cbla complementation type; MMA cbl A type; Methylmalonic acidemia cblA type. Identifiers: Orphanet 28, Orphanet 79310, MedGen C1855109, MONDO:0009613, OMIM 251100.

Allele frequency attached by ClinVar (database versions not stated): gnomAD exomes below 0.00001; TOPMed below 0.00001.
gnomAD v4.1: 3 of 1,614,168 alleles (0.00019%); highest among the groups gnomAD compares: Non-Finnish European, 0.00025%; no homozygotes.

Submissions (3):

Blueprint Genetics
Classification: Likely pathogenic for MMAA-related disorders. Last evaluated: 2024-09-30. Review status: criteria provided, single submitter. Criteria: ACMG Guidelines, 2015. Collection method: clinical testing. Allele origin: germline. Affected: yes. Observed: 1 variant allele.

Fulgent Genetics
Classification: Likely pathogenic for Methylmalonic aciduria, cblA type. Last evaluated: 2024-04-11. Review status: criteria provided, single submitter. Criteria: ACMG Guidelines, 2015. Collection method: clinical testing. Allele origin: germline.

Women's Health and Genetics/Laboratory Corporation of America, LabCorp
Classification: Likely pathogenic for Methylmalonic acidemia. Last evaluated: 2024-03-29. Review status: criteria provided, single submitter. Criteria: LabCorp Variant Classification Summary - May 2015. Collection method: clinical testing. Allele origin: germline.
Comment: Variant summary: MMAA c.772G>A (p.Asp258Asn) results in a conservative amino acid change in the encoded protein sequence. Four of five in-silico tools predict a damaging effect of the variant on protein function. The variant was absent in 251428 control chromosomes. c.772G>A has been reported in the literature in individuals affected with Methylmalonic Acidemia (Plessl_2017, Horster_2021). These data indicate that the variant is likely to be associated with disease. To our knowledge, no experimental evidence demonstrating an impact on protein function has been reported. The following publications have been ascertained in the context of this evaluation (PMID: 32754920, 28497574). No submitters have cited clinical-significance assessments for this variant to ClinVar. Based on the evidence outlined above, the variant was classified as likely pathogenic.

Literature cited by the submitters: PubMed 28497574 (cited by Women's Health and Genetics/Laboratory Corporation of America, LabCorp); PubMed 32754920 (cited by Women's Health and Genetics/Laboratory Corporation of America, LabCorp).

NM_172250.3(MMAA):c.772G>A (p.Asp258Asn)

Gene: MMAA (metabolism of cobalamin associated A; plus strand). Cytogenetic location: 4q31.21.
Variant type: single nucleotide variant.
Coding change: c.772G>A on transcript NM_172250.3 (MANE Select); coding-DNA position 772, G replaced by A.
Protein change: p.Asp258Asn; replaces aspartic acid 258 with asparagine.
Molecular consequence: missense variant.
Genome position (GRCh38, 1-based): chr4:145,651,100, G>A. VCF-style: chr4-145651100-G-A. GRCh37 (hg19) VCF-style: chr4-146572252-G-A.
Other names: c.772G>A, p.Asp258Asn (NM_001375644.1); short protein forms D258N.
Identifiers: ClinVar variation 3242584 (VCV003242584.4), dbSNP rs1728076436.